The following is an entry in ClinVar:

ClinVar aggregate classification (germline): Likely benign. Review status: reviewed by expert panel (3 of 4 stars). 10 submissions from 10 submitters: Likely benign (1). 9 of the submissions do not count toward it. Last evaluated 2017-06-29.

Conditions:
Breast and/or ovarian cancer. Identifiers: MedGen CN221562.
Hereditary cancer-predisposing syndrome. Also called: Tumor predisposition; Neoplastic Syndromes, Hereditary; Hereditary Cancer Syndrome; Hereditary neoplastic syndrome. Identifiers: Orphanet 140162, MedGen C0027672, MeSH D009386, MONDO:0015356.
Hereditary breast ovarian cancer syndrome. Also called: Hereditary breast and ovarian cancer; Hereditary breast and ovarian cancer syndrome (HBOC); Breast and ovarian cancer; Hereditary breast and/or ovarian cancer syndrome; BRCA1- and BRCA2-Associated Hereditary Breast and Ovarian Cancer; Hereditary breast and ovarian cancer syndrome. Identifiers: Orphanet 145, MedGen C0677776, MeSH D061325, MONDO:0003582. Disease mechanism: loss of function.
Breast-ovarian cancer, familial, susceptibility to, 2 (BROVCA2). Also called: BRCA2 Hereditary Breast and Ovarian Cancer. Identifiers: Orphanet 145, MedGen C2675520, MONDO:0012933, OMIM 612555. Disease mechanism: loss of function.

Allele frequency attached by ClinVar (database versions not stated): TOPMed below 0.00001.

Submissions (10):

Evidence-based Network for the Interpretation of Germline Mutant Alleles (ENIGMA)
Classification: Likely benign for Breast-ovarian cancer, familial, susceptibility to, 2. Last evaluated: 2017-06-29. Review status: reviewed by expert panel. Criteria: ENIGMA BRCA1/2 Classification Criteria (2017-06-29). Collection method: curation. Allele origin: germline.
Comment: Synonymous substitution variant, with low bioinformatic likelihood to result in a splicing aberration (Splicing prior probability 0.02).

Labcorp Genetics (formerly Invitae), Labcorp
Classification: Likely benign for Hereditary breast ovarian cancer syndrome. Last evaluated: 2025-09-15. Review status: criteria provided, single submitter. Criteria: Invitae Variant Classification Sherloc (09022015). Collection method: clinical testing. Allele origin: germline. Not counted in ClinVar's aggregate classification.

All of Us Research Program, National Institutes of Health
Classification: Likely benign for Breast-ovarian cancer, familial, susceptibility to, 2. Last evaluated: 2023-12-13. Review status: criteria provided, single submitter. Criteria: ACMG Guidelines, 2015. Collection method: clinical testing. Allele origin: germline. Inheritance: Autosomal dominant inheritance. Observed: 1 variant allele, 1 heterozygote. Not counted in ClinVar's aggregate classification.
Comment: This study involves interpretation of variants in research participants for the purpose of population health screening. Participant phenotype was not available at the time of variant classification. Additional details can be found in publication PMID: 35346344, PMCID: PMC8962531

Quest Diagnostics Nichols Institute San Juan Capistrano
Classification: Likely benign. Last evaluated: 2023-06-08. Review status: criteria provided, single submitter. Criteria: Quest Diagnostics criteria. Collection method: clinical testing. Allele origin: unknown. Not counted in ClinVar's aggregate classification.

Women's Health and Genetics/Laboratory Corporation of America, LabCorp
Classification: Likely benign. Last evaluated: 2023-04-14. Review status: criteria provided, single submitter. Criteria: LabCorp Variant Classification Summary - May 2015. Collection method: clinical testing. Allele origin: germline. Not counted in ClinVar's aggregate classification.

CeGaT Center for Human Genetics Tuebingen
Classification: Likely benign. Last evaluated: 2023-03-01. Review status: criteria provided, single submitter. Criteria: CeGaT Center For Human Genetics Tuebingen Variant Classification Criteria Version 2. Collection method: clinical testing. Allele origin: germline. Affected: yes. Observed: 1 variant allele. Not counted in ClinVar's aggregate classification.
Comment: BRCA2: PM2:Supporting, BP4, BP7

CHEO Genetics Diagnostic Laboratory, Children's Hospital of Eastern Ontario
Classification: Likely benign for Breast and/or ovarian cancer. Last evaluated: 2022-12-02. Review status: criteria provided, single submitter. Criteria: ACMG Guidelines, 2015. Collection method: clinical testing. Allele origin: germline. Not counted in ClinVar's aggregate classification.

PreventionGenetics, part of Exact Sciences
Classification: Likely benign. Last evaluated: 2017-09-01. Review status: criteria provided, single submitter. Criteria: ACMG Guidelines, 2015. Collection method: clinical testing. Allele origin: germline. Not counted in ClinVar's aggregate classification.

Color Diagnostics, LLC DBA Color Health
Classification: Likely benign for Hereditary cancer-predisposing syndrome. Last evaluated: 2017-04-04. Review status: criteria provided, single submitter. Criteria: ACMG Guidelines, 2015. Collection method: clinical testing. Allele origin: germline. Not counted in ClinVar's aggregate classification.

Ambry Genetics
Classification: Likely benign for Hereditary cancer-predisposing syndrome. Last evaluated: 2014-10-28. Review status: criteria provided, single submitter. Criteria: Ambry Variant Classification Scheme 2023. Collection method: clinical testing. Allele origin: germline. Not counted in ClinVar's aggregate classification.

NM_000059.4(BRCA2):c.3600T>C (p.Cys1200=)

Gene: BRCA2 (BRCA2 DNA repair associated; plus strand). Cytogenetic location: 13q13.1.
Variant type: single nucleotide variant.
Coding change: c.3600T>C on transcript NM_000059.4 (MANE Select); coding-DNA position 3600, T replaced by C.
Protein change: p.Cys1200=; no amino-acid change (cysteine 1200 retained).
Molecular consequence: synonymous variant.
Genome position (GRCh38, 1-based): chr13:32,337,955, T>C. VCF-style: chr13-32337955-T-C. GRCh37 (hg19) VCF-style: chr13-32912092-T-C.
Identifiers: ClinVar variation 186964 (VCV000186964.46), dbSNP rs786203359, ClinGen allele CA018408.